The following is an entry in ClinVar:

NM_001358530.2(MOCS1):c.1150+3dup

Gene: MOCS1 (molybdenum cofactor synthesis 1; minus strand). Cytogenetic location: 6p21.2.
Variant type: Duplication.
Coding change: c.1150+3dup on transcript NM_001358530.2 (MANE Select); 3 bases into the intron after coding-DNA position 1150, one base duplicated (G; older notation c.1150+3dupG).
Molecular consequence: intron variant. On other transcripts: frameshift variant (4), stop lost (4).
Genome position (GRCh38, 1-based): chr6:39,909,050, C duplicated on the plus strand (G on the coding strand, the reverse complement: MOCS1 is on the minus strand); the first of 3 consecutive C bases (chr6:39,909,050-39,909,052); duplicating any one gives the same sequence. VCF-style (leftmost placement, unchanged base first): chr6-39909049-A-AC. GRCh37 (hg19) VCF-style: chr6-39876825-A-AC.
Other names: c.1155dup, p.Ter386ValextTer? (NM_001075098.4, NM_005943.6); c.894dup, p.Ter299ValextTer? (NM_001358533.2, NM_001358534.2); c.889+3dup (NM_001358531.2); c.1102+783dup (NM_001358529.2); c.1155dupG (NM_005943.6).
Identifiers: ClinVar variation 1173095 (VCV001173095.4), dbSNP rs2149398883, ClinGen allele CA2499218282.
Genomic context (GRCh38, chr6:39,909,049, plus strand): 5'-CGGCTCCCACCCCACGAGATCCCCAAATGACAAGGGTGAGTGGTTACGTACTGATGGGTC[A>AC]CCCACCGATGAGGATCATGGGCCGGTTCTTCATCTGGGAAATACTGAACATGCCTGGGGT-3'

ClinVar aggregate classification (germline): Likely pathogenic (1 of 4 stars; one submission).

Conditions:
Sulfite oxidase deficiency due to molybdenum cofactor deficiency type A. Also called: Molybdenum cofactor deficiency, complementation group A; Molybdenum Cofactor Deficiency A. Identifiers: Orphanet 308386, Orphanet 833, MedGen C1854988, MONDO:0009643, OMIM 252150.

Submission:

Diagnostics Services (NGS), CSIR - Centre For Cellular And Molecular Biology
Classification: Likely pathogenic for Sulfite oxidase deficiency due to molybdenum cofactor deficiency type A. Last evaluated: 2021-03-10. Review status: criteria provided, single submitter. Criteria: ACMG Guidelines, 2015. Collection method: clinical testing. Allele origin: germline. Inheritance: Autosomal recessive inheritance. Affected: yes. Observed: 1 variant allele, 1 homozygote.
Comment: The c.1155dupG variant is not present in publicly available population databases like 1000 Genomes, Exome Variant Server (EVS), Exome Aggregation Consortium (ExAC), Genome Aggregation Database (gnomAD) or dbSNP. The variant is not present in Indian Exome Database [Kausthubham et al. Hum Mutat, 2021] and in our in-house exome database. The variant has not been previously reported to ClinVar, Human Genome Mutation Database (HGMD) and/or OMIM databases.In-silico pathogenicity prediction tools like MutationTaster2, CADD etc. predicted this variant to be likely deleterious.The variant causes frameshift at the 386th amino acid position of the wild-type transcript that abolishes the original stop codon and creates a new stop codon at the 468th amino acid of the altered transcript, thereby increasing the length of the protein by extra 82 amino acids. There are no proven or established functional studies reported to prove its pathogenicity. Due to lack of enough evidence the variant has been classified as likely pathogenic.